The following is an entry in ClinVar:

ClinVar aggregate classification (germline): Benign/Likely benign. Review status: criteria provided, multiple submitters, no conflicts (2 of 4 stars). 8 submissions from 8 submitters: Benign (1); Likely benign (6). 1 of the submissions does not count toward it. Last evaluated 2026-09-01.

Conditions:
PDZD7-related disorder. Also called: PDZD7-related disorders; PDZD7-related condition.

Allele frequency attached by ClinVar (database versions not stated): 1000 Genomes Project 0.00120; 1000 Genomes Project 30x 0.00141; gnomAD 0.00348; TOPMed 0.00417; ESP Exome Variant Server 0.00661.
gnomAD v4.1: 10,729 of 1,614,156 alleles (0.66%); highest among the groups gnomAD compares: Non-Finnish European, 0.86%; 52 homozygotes.

Submissions (8):

CeGaT Center for Human Genetics Tuebingen
Classification: Likely benign. Last evaluated: 2026-09-01. Review status: criteria provided, single submitter. Criteria: CeGaT Center For Human Genetics Tuebingen Variant Classification Criteria Version 2. Collection method: clinical testing. Allele origin: germline. Affected: yes. Observed: 13 variant alleles.
Comment: PDZD7: BS2

Labcorp Genetics (formerly Invitae), Labcorp
Classification: Likely benign. Last evaluated: 2026-02-03. Review status: criteria provided, single submitter. Criteria: Invitae Variant Classification Sherloc (09022015). Collection method: clinical testing. Allele origin: germline.

Blueprint Genetics
Classification: Likely benign. Last evaluated: 2024-11-26. Review status: criteria provided, single submitter. Criteria: ACMG Guidelines, 2015. Collection method: clinical testing. Allele origin: germline.

GeneDx
Classification: Likely benign. Last evaluated: 2020-10-27. Review status: criteria provided, single submitter. Criteria: GeneDx Variant Classification Process June 2021. Collection method: clinical testing. Allele origin: germline. Affected: yes.
Comment: This variant is associated with the following publications: (PMID: 25133751)

Athena Diagnostics
Classification: Likely benign. Last evaluated: 2018-11-26. Review status: criteria provided, single submitter. Criteria: Athena Diagnostics Criteria. Collection method: clinical testing. Allele origin: germline.

Eurofins Ntd Llc (ga)
Classification: Likely benign. Last evaluated: 2015-02-20. Review status: criteria provided, single submitter. Criteria: EGL Classification Definitions 2015. Collection method: clinical testing. Allele origin: germline. Observed: 1 variant allele, 1 heterozygote.

Laboratory for Molecular Medicine, Mass General Brigham Personalized Medicine
Classification: Benign. Last evaluated: 2012-04-30. Review status: criteria provided, single submitter. Criteria: LMM Criteria. Collection method: clinical testing. Allele origin: germline. Observed: 1 variant allele.
Comment: Val191Glu in Exon 05 of PDZD7: This variant is not expected to have clinical sig nificance because it has been identified in 0.9% (63/7020) of European American chromosomes from a broad population by the NHLBI Exome Sequencing Project (dbSNP rs118098246).

PreventionGenetics, part of Exact Sciences
Classification: Benign for PDZD7-related condition. Last evaluated: 2022-02-17. Review status: no assertion criteria provided. Collection method: clinical testing. Allele origin: germline. Not counted in ClinVar's aggregate classification.
Comment: This variant is classified as benign based on ACMG/AMP sequence variant interpretation guidelines (Richards et al. 2015 PMID: 25741868, with internal and published modifications).

Literature cited by the submitters: PubMed 25133751 (cited by Athena Diagnostics).

NM_001195263.2(PDZD7):c.572T>A (p.Val191Glu)

Gene: PDZD7 (PDZ domain containing 7; minus strand). Cytogenetic location: 10q24.31.
Variant type: single nucleotide variant.
Coding change: c.572T>A on transcript NM_001195263.2 (MANE Select); coding-DNA position 572, T replaced by A.
Protein change: p.Val191Glu; replaces valine 191 with glutamic acid.
Molecular consequence: missense variant.
Genome position (GRCh38, 1-based): chr10:101,022,356, A>T on the plus strand (T>A on the coding strand, the complement: PDZD7 is on the minus strand). VCF-style: chr10-101022356-A-T. GRCh37 (hg19) VCF-style: chr10-102782113-A-T.
Other names: c.572T>A, p.Val191Glu (NM_001351044.2, NM_024895.5); short protein forms V191E.
Identifiers: ClinVar variation 197722 (VCV000197722.58), dbSNP rs118098246, ClinGen allele CA203042.